The following is an entry in ClinVar:

ClinVar aggregate classification (germline): Pathogenic (1 of 4 stars; one submission).

Conditions:
ZTTK syndrome (ZTTKS). Also called: ZTTK MULTIPLE CONGENITAL ANOMALIES-MENTAL RETARDATION SYNDROME; Zhu-Tokita-Takenouchi-Kim Syndrome. Identifiers: Orphanet 500150, MedGen C4310696, MONDO:0014936, OMIM 617140.

Submission:

MVZ Medizinische Genetik Mainz
Classification: Pathogenic for ZTTK syndrome. Last evaluated: 2022-03-24. Review status: criteria provided, single submitter. Criteria: UK Practice Guidelines For Variant Classification V4 01 2020. Collection method: clinical testing. Allele origin: germline. Inheritance: Autosomal dominant inheritance. Affected: yes. Observed: 1 variant allele.
Comment: ACMG Criteria: PVS1, PM2_SUP (ACMG Version 3); PM6

NM_138927.4(SON):c.5061_5071del (p.Glu1687fs)

Gene: SON (SON DNA and RNA binding protein; plus strand). Cytogenetic location: 21q22.11.
Variant type: Deletion.
Coding change: c.5061_5071del on transcript NM_138927.4 (MANE Select); coding-DNA positions 5061 to 5071, 11 bases deleted (GAGTGACCAGA).
Protein change: p.Glu1687fs; shifts the reading frame from glutamic acid 1687.
Molecular consequence: frameshift variant. On other transcripts: non-coding transcript variant (1), intron variant (1).
Genome position (GRCh38, 1-based): chr21:33,554,292-33,554,302, GAGTGACCAGA deleted; deleting any 11 consecutive bases within chr21:33,554,289-33,554,302 gives the same sequence; the c. name uses the placement nearest the transcript's 3' end. VCF-style (leftmost placement, unchanged base first): chr21-33554288-AAGAGAGTGACC-A. GRCh37 (hg19) VCF-style: chr21-34926594-AAGAGAGTGACC-A.
Other names: c.5061_5071del, p.Glu1687fs (NM_001291411.2, NM_032195.3); c.5061_5071delGAGTGACCAGA, p.Glu1687Aspfs (NM_001412133.1, NM_058183.2, NM_138926.1); c.245-2864_245-2854del (NM_001291412.3); short protein forms E1687fs.
Identifiers: ClinVar variation 3066260 (VCV003066260.1), dbSNP rs2517387184, ClinGen allele CA2740097869.